The following is an entry in ClinVar:

ClinVar aggregate classification (germline): Conflicting classifications of pathogenicity. Review status: criteria provided, conflicting classifications (1 of 4 stars). 6 submissions from 6 submitters: Uncertain significance (2); Benign (1); Likely benign (2). 1 of the submissions does not count toward it. Last evaluated 2026-01-31.

Conditions:
FANCL-related disorder. Also called: FANCL-related condition.
Fanconi anemia (FA). Also called: Fanconi's anemia. Identifiers: Orphanet 84, MedGen C0015625, MeSH D005199, MONDO:0019391.
Fanconi anemia complementation group L (FANCL). Also called: FANCL-Related Fanconi Anemia. Identifiers: Orphanet 84, MedGen C3469528, MONDO:0013566, OMIM 614083.

Allele frequency attached by ClinVar (database versions not stated): gnomAD exomes 0.00040; ExAC 0.00052; 1000 Genomes Project 0.00080; 1000 Genomes Project 30x 0.00109; ESP Exome Variant Server 0.00154; gnomAD 0.00162 and 0.00173; TOPMed 0.00186.
gnomAD v4.1: 478 of 1,611,748 alleles (0.03%); highest among the groups gnomAD compares: African/African-American, 0.58%; 2 homozygotes.

Submissions (6):

Labcorp Genetics (formerly Invitae), Labcorp
Classification: Benign for Fanconi anemia. Last evaluated: 2026-01-31. Review status: criteria provided, single submitter. Criteria: Invitae Variant Classification Sherloc (09022015). Collection method: clinical testing. Allele origin: germline.

GeneDx
Classification: Uncertain significance. Last evaluated: 2025-08-05. Review status: criteria provided, single submitter. Criteria: GeneDx Variant Classification Process June 2021. Collection method: clinical testing. Allele origin: germline. Affected: yes.
Comment: In silico analysis supports that this missense variant has a deleterious effect on protein structure/function; This variant is associated with the following publications: (PMID: 29416752)

KCCC/NGS Laboratory, Kuwait Cancer Control Center
Classification: Likely benign for Fanconi anemia complementation group L. Last evaluated: 2023-07-07. Review status: criteria provided, single submitter. Criteria: ACMG Guidelines, 2015. Collection method: clinical testing. Allele origin: germline. Affected: yes.

Sema4
Classification: Likely benign for Fanconi anemia. Last evaluated: 2020-12-18. Review status: criteria provided, single submitter. Criteria: Sema4 Curation Guidelines. Collection method: curation. Allele origin: germline.

Genetic Services Laboratory, University of Chicago
Classification: Uncertain significance. Last evaluated: 2020-04-24. Review status: criteria provided, single submitter. Criteria: ACMG Guidelines, 2015. Collection method: clinical testing. Allele origin: germline. Affected: no.
Comment: DNA sequence analysis of the FANCL gene demonstrated a sequence change, c.963T>A, in exon 12 that results in an amino acid change, p.Asp321Glu. This sequence change does not appear to have been previously described in patients with FANCL-related disorders and has been described in the gnomAD database with a population frequency of 0.54% in the African subpopulation; however, it has not been observed in homozygous state in any individuals (dbSNP rs140088149). The p.Asp321Glu change affects a highly conserved amino acid residue located in a domain of the FANCL protein that is not known to be functional. In-silico pathogenicity prediction tools (SIFT, PolyPhen2, Align GVGD, REVEL) provide contradictory results for the p.Asp321Glu substitution. Due to these contrasting evidences and the lack of functional studies, the clinical significance of the p.Asp321Glu change remains unknown at this time.

PreventionGenetics, part of Exact Sciences
Classification: Likely benign for FANCL-related condition. Last evaluated: 2021-06-23. Review status: no assertion criteria provided. Collection method: clinical testing. Allele origin: germline. Not counted in ClinVar's aggregate classification.
Comment: This variant is classified as likely benign based on ACMG/AMP sequence variant interpretation guidelines (Richards et al. 2015 PMID: 25741868, with internal and published modifications).

Literature cited by the submitters: PubMed 29416752 (cited by Sema4).

NM_018062.4(FANCL):c.963T>A (p.Asp321Glu)

Gene: FANCL (FA complementation group L; minus strand). Cytogenetic location: 2p16.1.
Variant type: single nucleotide variant.
Coding change: c.963T>A on transcript NM_018062.4 (MANE Select); coding-DNA position 963, T replaced by A.
Protein change: p.Asp321Glu; replaces aspartic acid 321 with glutamic acid.
Molecular consequence: missense variant.
Genome position (GRCh38, 1-based): chr2:58,161,579, A>T on the plus strand (T>A on the coding strand, the complement: FANCL is on the minus strand). VCF-style: chr2-58161579-A-T. GRCh37 (hg19) VCF-style: chr2-58388714-A-T.
Other names: c.978T>A, p.Asp326Glu (NM_001114636.2); c.1008T>A, p.Asp336Glu (NM_001374615.1); c.1023T>A, p.Asp341Glu (NM_001410792.1); short protein forms D321E, D326E, D336E, D341E.
Identifiers: ClinVar variation 241253 (VCV000241253.19), dbSNP rs140088149, ClinGen allele CA1670371.